The following is an entry in ClinVar:

ClinVar aggregate classification (germline): Uncertain significance (1 of 4 stars; one submission).

gnomAD v4.1: 1 of 1,549,574 alleles (0.000065%); highest among the groups gnomAD compares: South Asian, 0.0012%; no homozygotes.

Submission:

Labcorp Genetics (formerly Invitae), Labcorp
Classification: Uncertain significance. Last evaluated: 2023-11-17. Review status: criteria provided, single submitter. Criteria: Invitae Variant Classification Sherloc (09022015). Collection method: clinical testing. Allele origin: germline.
Comment: This sequence change replaces tryptophan, which is neutral and slightly polar, with leucine, which is neutral and non-polar, at codon 2338 of the EYS protein (p.Trp2338Leu). This variant is present in population databases (no rsID available, gnomAD 0.007%). This variant has not been reported in the literature in individuals affected with EYS-related conditions. Advanced modeling of protein sequence and biophysical properties (such as structural, functional, and spatial information, amino acid conservation, physicochemical variation, residue mobility, and thermodynamic stability) has been performed at Invitae for this missense variant, however the output from this modeling did not meet the statistical confidence thresholds required to predict the impact of this variant on EYS protein function. In summary, the available evidence is currently insufficient to determine the role of this variant in disease. Therefore, it has been classified as a Variant of Uncertain Significance.

NM_001142800.2(EYS):c.7013G>T (p.Trp2338Leu)

Gene: EYS (EGF-like photoreceptor maintenance factor; minus strand). Cytogenetic location: 6q12.
Variant type: single nucleotide variant.
Coding change: c.7013G>T on transcript NM_001142800.2 (MANE Select); coding-DNA position 7013, G replaced by T.
Protein change: p.Trp2338Leu; replaces tryptophan 2338 with leucine.
Molecular consequence: missense variant.
Genome position (GRCh38, 1-based): chr6:63,984,425, C>A on the plus strand (G>T on the coding strand, the complement: EYS is on the minus strand). VCF-style: chr6-63984425-C-A. GRCh37 (hg19) VCF-style: chr6-64694318-C-A.
Other names: c.7013G>T, p.Trp2338Leu (NM_001292009.2); short protein forms W2338L.
Identifiers: ClinVar variation 2844092 (VCV002844092.3), dbSNP rs1231505438, ClinGen allele CA364388062.